The following is an entry in ClinVar:

ClinVar aggregate classification (germline): Uncertain significance (1 of 4 stars; one submission).

Conditions:
Hypertrophic cardiomyopathy 1 (CMH1). Also called: Familial hypertrophic cardiomyopathy 1; MYH7-Related Familial Hypertrophic Cardiomyopathy. Identifiers: MedGen C3495498, MONDO:0008647, OMIM 192600.

Submission:

Labcorp Genetics (formerly Invitae), Labcorp
Classification: Uncertain significance for Hypertrophic cardiomyopathy 1. Last evaluated: 2025-10-17. Review status: criteria provided, single submitter. Criteria: Invitae Variant Classification Sherloc (09022015). Collection method: clinical testing. Allele origin: germline.
Comment: This sequence change creates a premature translational stop signal (p.Gln99Serfs*83) in the MYLK2 gene. It is expected to result in an absent or disrupted protein product. However, the current clinical and genetic evidence is not sufficient to establish whether loss-of-function variants in MYLK2 cause disease. This variant is not present in population databases (gnomAD no frequency). This variant has not been reported in the literature in individuals affected with MYLK2-related conditions. In summary, the available evidence is currently insufficient to determine the role of this variant in disease. Therefore, it has been classified as a Variant of Uncertain Significance.

NM_033118.4(MYLK2):c.295del (p.Gln99fs)

Gene: MYLK2 (myosin light chain kinase 2; plus strand). Cytogenetic location: 20q11.21.
Variant type: Deletion.
Coding change: c.295del on transcript NM_033118.4 (MANE Select); coding-DNA position 295, one base deleted (C; older notation c.295delC).
Protein change: p.Gln99fs; shifts the reading frame from glutamine 99.
Molecular consequence: frameshift variant.
Genome position (GRCh38, 1-based): chr20:31,820,368, C deleted; the last of 4 consecutive C bases (chr20:31,820,365-31,820,368); deleting any one gives the same sequence. VCF-style (leftmost placement, unchanged base first): chr20-31820364-GC-G. GRCh37 (hg19) VCF-style: chr20-30408167-GC-G.
Other names: short protein forms Q99fs.
Identifiers: ClinVar variation 4729391 (VCV004729391.1).